The following is an entry in ClinVar:

NM_000368.5(TSC1):c.529C>T (p.Leu177Phe)

Gene: TSC1 (TSC complex subunit 1; minus strand). Cytogenetic location: 9q34.13.
Variant type: single nucleotide variant.
Coding change: c.529C>T on transcript NM_000368.5 (MANE Select); coding-DNA position 529, C replaced by T.
Protein change: p.Leu177Phe; replaces leucine 177 with phenylalanine.
Molecular consequence: missense variant.
Genome position (GRCh38, 1-based): chr9:132,921,953, G>A on the plus strand (C>T on the coding strand, the complement: TSC1 is on the minus strand). VCF-style: chr9-132921953-G-A. GRCh37 (hg19) VCF-style: chr9-135797340-G-A.
Other names: c.529C>T, p.Leu177Phe (NM_001162426.2); c.376C>T, p.Leu126Phe (NM_001162427.2); c.166C>T, p.Leu56Phe (NM_001362177.2); short protein forms L56F, L126F, L177F.
Identifiers: ClinVar variation 1513964 (VCV001513964.8), dbSNP rs2132160788, ClinGen allele CA375372865.

ClinVar aggregate classification (germline): Uncertain significance. Review status: criteria provided, multiple submitters, no conflicts (2 of 4 stars). 2 submissions from 2 submitters: Uncertain significance (2). Last evaluated 2025-03-20.

Conditions:
Hereditary cancer-predisposing syndrome. Also called: Neoplastic Syndromes, Hereditary; Hereditary Cancer Syndrome; Tumor predisposition; Hereditary neoplastic syndrome. Identifiers: Orphanet 140162, MedGen C0027672, MeSH D009386, MONDO:0015356.
Tuberous sclerosis 1 (TSC1). Identifiers: Orphanet 805, MedGen C1854465, MONDO:0008612, OMIM 191100.

Submissions (2):

Labcorp Genetics (formerly Invitae), Labcorp
Classification: Uncertain significance for Tuberous sclerosis 1. Last evaluated: 2025-03-20. Review status: criteria provided, single submitter. Criteria: Invitae Variant Classification Sherloc (09022015). Collection method: clinical testing. Allele origin: germline.
Comment: This sequence change replaces leucine, which is neutral and non-polar, with phenylalanine, which is neutral and non-polar, at codon 177 of the TSC1 protein (p.Leu177Phe). This variant is not present in population databases (gnomAD no frequency). This variant has not been reported in the literature in individuals affected with TSC1-related conditions. ClinVar contains an entry for this variant (Variation ID: 1513964). Invitae Evidence Modeling of protein sequence and biophysical properties (such as structural, functional, and spatial information, amino acid conservation, physicochemical variation, residue mobility, and thermodynamic stability) has been performed for this missense variant. However, the output from this modeling did not meet the statistical confidence thresholds required to predict the impact of this variant on TSC1 protein function. In summary, the available evidence is currently insufficient to determine the role of this variant in disease. Therefore, it has been classified as a Variant of Uncertain Significance.

Ambry Genetics
Classification: Uncertain significance for Hereditary cancer-predisposing syndrome. Last evaluated: 2024-03-04. Review status: criteria provided, single submitter. Criteria: Ambry Variant Classification Scheme 2023. Collection method: clinical testing. Allele origin: germline.
Comment: The p.L177F variant (also known as c.529C>T), located in coding exon 5 of the TSC1 gene, results from a C to T substitution at nucleotide position 529. The leucine at codon 177 is replaced by phenylalanine, an amino acid with highly similar properties. This amino acid position is highly conserved in available vertebrate species. In addition, this alteration is predicted to be deleterious by in silico analysis. Since supporting evidence is limited at this time, the clinical significance of this alteration remains unclear.